The following is an entry in ClinVar:

ClinVar aggregate classification (germline): Uncertain significance. Review status: criteria provided, multiple submitters, no conflicts (2 of 4 stars). 2 submissions from 2 submitters: Uncertain significance (2). Last evaluated 2024-03-19.

Allele frequency attached by ClinVar (database versions not stated): gnomAD exomes 0.00001; ExAC 0.00004; TOPMed 0.00007; gnomAD 0.00008; ESP Exome Variant Server 0.00015.
gnomAD v4.1: 22 of 1,614,114 alleles (0.0014%); highest among the groups gnomAD compares: African/African-American, 0.028%; no homozygotes.

Submissions (2):

Ambry Genetics
Classification: Uncertain significance. Last evaluated: 2024-03-19. Review status: criteria provided, single submitter. Criteria: Ambry Variant Classification Scheme 2023. Collection method: clinical testing. Allele origin: germline.

Labcorp Genetics (formerly Invitae), Labcorp
Classification: Uncertain significance. Last evaluated: 2023-06-07. Review status: criteria provided, single submitter. Criteria: Invitae Variant Classification Sherloc (09022015). Collection method: clinical testing. Allele origin: germline.
Comment: This variant is present in population databases (rs148604311, gnomAD 0.04%). In summary, the available evidence is currently insufficient to determine the role of this variant in disease. Therefore, it has been classified as a Variant of Uncertain Significance. Advanced modeling of protein sequence and biophysical properties (such as structural, functional, and spatial information, amino acid conservation, physicochemical variation, residue mobility, and thermodynamic stability) performed at Invitae indicates that this missense variant is not expected to disrupt SLC22A4 protein function. This variant has not been reported in the literature in individuals affected with SLC22A4-related conditions. This sequence change replaces valine, which is neutral and non-polar, with methionine, which is neutral and non-polar, at codon 212 of the SLC22A4 protein (p.Val212Met).

NM_003059.3(SLC22A4):c.634G>A (p.Val212Met)

Genes: MIR3936HG (MIR3936 host gene; minus strand), SLC22A4 (solute carrier family 22 member 4; plus strand). Cytogenetic location: 5q31.1.
Variant type: single nucleotide variant.
Coding change: c.634G>A on transcript NM_003059.3 (MANE Select); coding-DNA position 634, G replaced by A.
Protein change: p.Val212Met; replaces valine 212 with methionine.
Molecular consequence: missense variant.
Genome position (GRCh38, 1-based): chr5:132,313,750, G>A. VCF-style: chr5-132313750-G-A. GRCh37 (hg19) VCF-style: chr5-131649443-G-A.
Other names: c.634G>A (NM_003059.2); short protein forms V212M.
Identifiers: ClinVar variation 2996879 (VCV002996879.4), dbSNP rs148604311, ClinGen allele CA3403459.
Genomic context (GRCh38, chr5:132,313,750, plus strand): 5'-AGCTGGGAGATGTTCACTGTGTTATTTGTCATCGTGGGCATGGGCCAGATCTCCAACTAT[G>A]TGGTAGCCTTCATACTAGGTAGGAATGGCTTCTGGGACATGGGGTGCTTCCCTCTAACCC-3'
Protein context (NP_003050.2, residues 202-222): IVGMGQISNY[Val212Met]VAFILGTEIL